The following is an entry in ClinVar:

ClinVar aggregate classification (germline): Uncertain significance. Review status: reviewed by expert panel (3 of 4 stars). 3 submissions from 3 submitters: Uncertain significance (1). 2 of the submissions do not count toward it. Last evaluated 2026-05-27.

Conditions:
Hereditary thrombocytopenia and hematologic cancer predisposition syndrome. Identifiers: Orphanet 71290, MedGen CN281654, MONDO:0011071.
Inborn genetic diseases. Identifiers: MedGen C0950123, MeSH D030342.

gnomAD v4.1: 1 of 1,608,776 alleles (0.000062%); highest among the groups gnomAD compares: African/African-American, 0.0013%; no homozygotes.

Submissions (3):

ClinGen Myeloid Malignancy Variant Curation Expert Panel
Classification: Uncertain significance for Hereditary thrombocytopenia and hematologic cancer predisposition syndrome. Last evaluated: 2026-05-27. Review status: reviewed by expert panel. Criteria: ClinGen MyeloMalig ACMG Specifications V3.1. Collection method: curation. Allele origin: germline. Inheritance: Autosomal dominant inheritance.
Comment: NM_001754.5(RUNX1):c.643A>G (p.Lys215Glu) is a missense variant which has a MAF ≤ 0.00005 in gnomAD v4 across all subpopulations with at least 20x coverage for RUNX1 (PM2_Supporting). In summary, the clinical significance of this variant is uncertain. ACMG/AMP criteria applied, as specified by the Myeloid Malignancy Variant Curation Expert Panel for RUNX1: PM2_Supporting.

CeGaT Center for Human Genetics Tuebingen
Classification: Uncertain significance. Last evaluated: 2026-03-01. Review status: criteria provided, single submitter. Criteria: CeGaT Center For Human Genetics Tuebingen Variant Classification Criteria Version 2. Collection method: clinical testing. Allele origin: germline. Affected: yes. Observed: 1 variant allele. Not counted in ClinVar's aggregate classification.
Comment: RUNX1: PM2, PP3

Ambry Genetics
Classification: Uncertain significance for Inborn genetic diseases. Last evaluated: 2025-06-15. Review status: criteria provided, single submitter. Criteria: Ambry Variant Classification Scheme 2023. Collection method: clinical testing. Allele origin: germline. Not counted in ClinVar's aggregate classification.
Comment: The p.K215E variant (also known as c.643A>G), located in coding exon 6 of the RUNX1 gene, results from an A to G substitution at nucleotide position 643. The lysine at codon 215 is replaced by glutamic acid, an amino acid with similar properties. This amino acid position is conserved. In addition, this alteration is predicted to be deleterious by in silico analysis. Based on the available evidence, the clinical significance of this variant remains unclear.

NM_001754.5(RUNX1):c.643A>G (p.Lys215Glu)

Gene: RUNX1 (RUNX family transcription factor 1; minus strand). Cytogenetic location: 21q22.12.
Variant type: single nucleotide variant.
Coding change: c.643A>G on transcript NM_001754.5 (MANE Select); coding-DNA position 643, A replaced by G.
Protein change: p.Lys215Glu; replaces lysine 215 with glutamic acid.
Molecular consequence: missense variant.
Genome position (GRCh38, 1-based): chr21:34,834,572, T>C on the plus strand (A>G on the coding strand, the complement: RUNX1 is on the minus strand). VCF-style: chr21-34834572-T-C. GRCh37 (hg19) VCF-style: chr21-36206869-T-C.
Other names: NM_001754.5(RUNX1):c.643A>G; p.Lys215Glu; c.562A>G, p.Lys188Glu (NM_001001890.3, NM_001122607.2); short protein forms K215E, K188E.
Identifiers: ClinVar variation 4158177 (VCV004158177.6).
Genomic context (GRCh38, chr21:34,834,572, plus strand): 5'-CTGTGCGCCGCAGCTGCTCCAGTTCACTGAGCCGCTCGGAAAAGGACAAGCTCCCGGGCT[T>C]GGTCTGATCATCTAGTTTCTGCCGATGTCCTATTGTGGGGAGCAGGGAGGGGAGGGGATG-3'
Protein context (NP_001745.2, residues 205-225): RHRQKLDDQT[Lys215Glu]PGSLSFSERL